The following is an entry in ClinVar:

NM_182961.4(SYNE1):c.22878G>A (p.Glu7626=)

Gene: SYNE1 (spectrin repeat containing nuclear envelope protein 1; minus strand). Cytogenetic location: 6q25.2.
Variant type: single nucleotide variant.
Coding change: c.22878G>A on transcript NM_182961.4 (MANE Select); coding-DNA position 22878, G replaced by A.
Protein change: p.Glu7626=; no amino-acid change (glutamic acid 7626 retained).
Molecular consequence: synonymous variant.
Genome position (GRCh38, 1-based): chr6:152,206,309, C>T on the plus strand (G>A on the coding strand, the complement: SYNE1 is on the minus strand). VCF-style: chr6-152206309-C-T. GRCh37 (hg19) VCF-style: chr6-152527444-C-T.
Other names: p.Glu7555=; c.22665G>A, p.Glu7555= (NM_033071.5).
Identifiers: ClinVar variation 2930165 (VCV002930165.4), dbSNP rs1038141224, ClinGen allele CA150171649.
Genomic context (GRCh38, chr6:152,206,309, plus strand): 5'-TTCGGCCTGCAAGGCGGCCTCAGCGCCACTGTCCGCCGAGAGAAGGAGTTGCTTGCCAGC[C>T]TCCACAGTCAGGATGTAGCTGCCTTGTTGCCGCAGAAACACTTTTTCTTTGAACTGAAAG-3'
Protein context (NP_892006.3, residues 7616-7636): RQQGSYILTV[Glu7626=]AGKQLLLSAD

ClinVar aggregate classification (germline): Likely benign. Review status: criteria provided, multiple submitters, no conflicts (2 of 4 stars). 2 submissions from 2 submitters: Likely benign (2). Last evaluated 2025-04-15.

Conditions:
Emery-Dreifuss muscular dystrophy 4, autosomal dominant (EDMD4). Also called: EMERY-DREIFUSS MUSCULAR DYSTROPHY 4 WITH VARIABLE FEATURES. Identifiers: Orphanet 261, MedGen C2751807, MONDO:0013071, OMIM 612998.
Autosomal recessive ataxia, Beauce type. Also called: SYNE1-Related Autosomal Recessive Cerebellar Ataxia; SYNE1 Deficiency; Spinocerebellar ataxia, autosomal recessive 8; ATAXIA, RECESSIVE, OF BEAUCE. Identifiers: Orphanet 88644, MedGen C1853116, MONDO:0012549, OMIM 610743.

Allele frequency attached by ClinVar (database versions not stated): gnomAD exomes 0.00001; gnomAD 0.00002.
gnomAD v4.1: 13 of 1,613,962 alleles (0.00081%); highest among the groups gnomAD compares: Non-Finnish European, 0.0011%; no homozygotes.

Submissions (2):

Mayo Clinic Laboratories, Mayo Clinic
Classification: Likely benign. Last evaluated: 2025-04-15. Review status: criteria provided, single submitter. Criteria: ACMG Guidelines, 2015. Collection method: clinical testing. Allele origin: germline. Observed: 1 variant allele.
Comment: BP4, BP7

Labcorp Genetics (formerly Invitae), Labcorp
Classification: Likely benign for Emery-Dreifuss muscular dystrophy 4, autosomal dominant; Autosomal recessive ataxia, Beauce type. Last evaluated: 2023-06-15. Review status: criteria provided, single submitter. Criteria: Invitae Variant Classification Sherloc (09022015). Collection method: clinical testing. Allele origin: germline.